The following is an entry in ClinVar:

ClinVar aggregate classification (germline): Uncertain significance (1 of 4 stars; one submission).

Submission:

Labcorp Genetics (formerly Invitae), Labcorp
Classification: Uncertain significance. Last evaluated: 2025-03-31. Review status: criteria provided, single submitter. Criteria: Invitae Variant Classification Sherloc (09022015). Collection method: clinical testing. Allele origin: germline.
Comment: This sequence change replaces tryptophan, which is neutral and slightly polar, with glycine, which is neutral and non-polar, at codon 75 of the SCO2 protein (p.Trp75Gly). Information on the frequency of this variant in the gnomAD database is not available, as this variant may be reported differently in the database. This variant has not been reported in the literature in individuals affected with SCO2-related conditions. ClinVar contains an entry for this variant (Variation ID: 1962506). Experimental studies and prediction algorithms are not available or were not evaluated, and the functional significance of this variant is currently unknown. In summary, the available evidence is currently insufficient to determine the role of this variant in disease. Therefore, it has been classified as a Variant of Uncertain Significance.

NM_005138.3(SCO2):c.222_223delinsGG (p.Trp75Gly)

Genes: NCAPH2 (non-SMC condensin II complex subunit H2; plus strand), SCO2 (synthesis of cytochrome C oxidase 2; minus strand). Cytogenetic location: 22q13.33.
Variant type: Indel.
Coding change: c.222_223delinsGG on transcript NM_005138.3 (MANE Select); coding-DNA positions 222 to 223, CT replaced by GG.
Protein change: p.Trp75Gly; replaces tryptophan 75 with glycine.
Molecular consequence: missense variant. On other transcripts: 3 prime UTR variant (2).
Genome position (GRCh38, 1-based): chr22:50,524,189-50,524,190, AG replaced by CC on the plus strand (CT replaced by GG on the coding strand, the reverse complement: SCO2 is on the minus strand). VCF-style: chr22-50524189-AG-CC. GRCh37 (hg19) VCF-style: chr22-50962618-AG-CC.
Other names: c.*814_*815delinsCC (NM_001185011.2, NM_152299.4); c.222_223delinsGG, p.Trp75Gly (NM_001169109.2, NM_001169110.1, NM_001169111.2); short protein forms W75G.
Identifiers: ClinVar variation 1962506 (VCV001962506.5), dbSNP rs2522474379, ClinGen allele CA2580099987.